The following is an entry in ClinVar:

NM_000218.3(KCNQ1):c.1394-14811A>G

Genes: KCNQ1 (potassium voltage-gated channel subfamily Q member 1; plus strand), KCNQ1OT1 (KCNQ1 opposite strand/antisense transcript 1; minus strand). Cytogenetic location: 11p15.5.
Variant type: single nucleotide variant.
Coding change: c.1394-14811A>G on transcript NM_000218.3 (MANE Select); 14811 bases into the intron before coding-DNA position 1394, A replaced by G.
Molecular consequence: intron variant. On other transcripts: non-coding transcript variant (1).
Genome position (GRCh38, 1-based): chr11:2,647,150, A>G. VCF-style: chr11-2647150-A-G. GRCh37 (hg19) VCF-style: chr11-2668380-A-G.
Other names: c.1124-14811A>G (NM_001406837.1); c.1298-14811A>G (NM_001406836.1); c.854-14811A>G (NM_001406838.1); c.1013-14811A>G (NM_181798.2).
Identifiers: ClinVar variation 3389528 (VCV003389528.14).

ClinVar aggregate classification (germline): Uncertain significance (1 of 4 stars; one submission).

Submission:

CeGaT Center for Human Genetics Tuebingen
Classification: Uncertain significance. Last evaluated: 2024-11-01. Review status: criteria provided, single submitter. Criteria: CeGaT Center For Human Genetics Tuebingen Variant Classification Criteria Version 2. Collection method: clinical testing. Allele origin: germline. Affected: yes. Observed: 1 variant allele.
Comment: KCNQ1OT1: PM2